The following is an entry in ClinVar:

ClinVar aggregate classification (germline): Uncertain significance (1 of 4 stars; one submission).

Submission:

Ambry Genetics
Classification: Uncertain significance. Last evaluated: 2023-12-04. Review status: criteria provided, single submitter. Criteria: Ambry Variant Classification Scheme 2023. Collection method: clinical testing. Allele origin: germline.
Comment: The p.Q221H variant (also known as c.663G>T), located in coding exon 1 of the EGLN1 gene, results from a G to T substitution at nucleotide position 663. The glutamine at codon 221 is replaced by histidine, an amino acid with highly similar properties. This amino acid position is conserved. In addition, this alteration is predicted to be tolerated by in silico analysis. Since supporting evidence is limited at this time, the clinical significance of this alteration remains unclear.

NM_022051.3(EGLN1):c.663G>T (p.Gln221His)

Gene: EGLN1 (egl-9 family hypoxia inducible factor 1; minus strand). Cytogenetic location: 1q42.2.
Variant type: single nucleotide variant.
Coding change: c.663G>T on transcript NM_022051.3 (MANE Select); coding-DNA position 663, G replaced by T.
Protein change: p.Gln221His; replaces glutamine 221 with histidine.
Molecular consequence: missense variant.
Genome position (GRCh38, 1-based): chr1:231,421,226, C>A on the plus strand (G>T on the coding strand, the complement: EGLN1 is on the minus strand). VCF-style: chr1-231421226-C-A. GRCh37 (hg19) VCF-style: chr1-231556972-C-A.
Other names: c.663G>T, p.Gln221His (NM_001377260.1, NM_001377261.1); short protein forms Q221H.
Identifiers: ClinVar variation 3227735 (VCV003227735.1), dbSNP rs1572057341, ClinGen allele CA345236030.
Genomic context (GRCh38, chr1:231,421,226, plus strand): 5'-GACCAGCTGCCCGTCCGTGAACTTCCCGGTGTCGTGCAGGGCGCGCACCTCGTCGCCGAT[C>A]TGCTGTCCGGTCTCCTTGCCGAGGAAGTCGTCCACCACACAGATGCCGTGCTTGTTCATG-3'
Protein context (NP_071334.1, residues 211-231): DDFLGKETGQ[Gln221His]IGDEVRALHD